The following is an entry in ClinVar:

NM_002334.4(LRP4):c.4400dup (p.Asn1467fs)

Genes: LRP4 (LDL receptor related protein 4; minus strand), LRP4-AS1 (LRP4 antisense RNA 1; plus strand). Cytogenetic location: 11p11.2.
Variant type: Duplication.
Coding change: c.4400dup on transcript NM_002334.4 (MANE Select); coding-DNA position 4400, one base duplicated (A; older notation c.4400dupA).
Protein change: p.Asn1467fs; shifts the reading frame from asparagine 1467.
Molecular consequence: frameshift variant. On other transcripts: non-coding transcript variant (1).
Genome position (GRCh38, 1-based): chr11:46,873,423, T duplicated on the plus strand (A on the coding strand, the reverse complement: LRP4 is on the minus strand); the first of 2 consecutive T bases (chr11:46,873,423-46,873,424); duplicating either gives the same sequence. VCF-style (leftmost placement, unchanged base first): chr11-46873422-G-GT. GRCh37 (hg19) VCF-style: chr11-46894973-G-GT.
Other names: short protein forms N1467fs.
Identifiers: ClinVar variation 2945597 (VCV002945597.3), dbSNP rs2539723743, ClinGen allele CA2740093723.
Genomic context (GRCh38, chr11:46,873,422, plus strand): 5'-GCCATAAACTTACCCCTTCCTGGGGAAAACAGCAATGGCCCGGGGCTCATCCAGGCTATT[G>GT]TTGATCAGTACTTTGCGGCAGGAACCATCCAGCCTGGACGCCTCAATGGTATTTCGACCT-3'

ClinVar aggregate classification (germline): Pathogenic (1 of 4 stars; one submission).

Conditions:
Cenani-Lenz syndactyly syndrome. Also called: SYNDACTYLY, TYPE VII; CENANI SYNDACTYLISM. Identifiers: Orphanet 3258, MedGen C1859309, MONDO:0008931, OMIM 212780.
Congenital myasthenic syndrome 17. Identifiers: Orphanet 590, MedGen C4225377, MONDO:0014578, OMIM 616304.
Sclerosteosis 2 (SOST2). Identifiers: Orphanet 3152, MedGen C3280402, MONDO:0013679, OMIM 614305.

Submission:

Labcorp Genetics (formerly Invitae), Labcorp
Classification: Pathogenic for Cenani-Lenz syndactyly syndrome; Sclerosteosis 2; Congenital myasthenic syndrome 17. Last evaluated: 2023-04-28. Review status: criteria provided, single submitter. Criteria: Invitae Variant Classification Sherloc (09022015). Collection method: clinical testing. Allele origin: germline.
Comment: For these reasons, this variant has been classified as Pathogenic. This variant has not been reported in the literature in individuals affected with LRP4-related conditions. This variant is not present in population databases (gnomAD no frequency). This sequence change creates a premature translational stop signal (p.Asn1467Lysfs*3) in the LRP4 gene. It is expected to result in an absent or disrupted protein product. Loss-of-function variants in LRP4 are known to be pathogenic (PMID: 23636941, 24924585).

Literature cited by the submitters: PubMed 23636941; PubMed 24924585.